The following is an entry in ClinVar:

NM_004984.4(KIF5A):c.2953G>T (p.Gly985Cys)

Gene: KIF5A (kinesin family member 5A; plus strand). Cytogenetic location: 12q13.3.
Variant type: single nucleotide variant.
Coding change: c.2953G>T on transcript NM_004984.4 (MANE Select); coding-DNA position 2953, G replaced by T.
Protein change: p.Gly985Cys; replaces glycine 985 with cysteine.
Molecular consequence: missense variant.
Genome position (GRCh38, 1-based): chr12:57,581,913, G>T. VCF-style: chr12-57581913-G-T. GRCh37 (hg19) VCF-style: chr12-57975696-G-T.
Other names: c.2686G>T, p.Gly896Cys (NM_001354705.2); short protein forms G896C, G985C.
Identifiers: ClinVar variation 1515963 (VCV001515963.9), dbSNP rs371548640, ClinGen allele CA6653259.

ClinVar aggregate classification (germline): Uncertain significance. Review status: criteria provided, multiple submitters, no conflicts (2 of 4 stars). 2 submissions from 2 submitters: Uncertain significance (2). Last evaluated 2023-02-07.

Conditions:
Amyotrophic lateral sclerosis, susceptibility to, 25. Identifiers: MedGen C4693609, MONDO:0060670, OMIM 617921.
Hereditary spastic paraplegia 10 (SPG10). Also called: SPASTIC PARAPLEGIA 10 WITH OR WITHOUT PERIPHERAL NEUROPATHY; SPASTIC PARAPLEGIA 10 WITH PERIPHERAL NEUROPATHY; SPASTIC PARAPLEGIA 10, AUTOSOMAL DOMINANT. Identifiers: Orphanet 100991, MedGen C1858712, MONDO:0011408, OMIM 604187.
Myoclonus, intractable, neonatal (NEIMY). Identifiers: MedGen C4310658, MONDO:0014979, OMIM 617235.
Spastic paraplegia. Identifiers: MedGen C0037772, HP:0001258.

gnomAD v4.1: 30 of 1,614,038 alleles (0.0019%); highest among the groups gnomAD compares: Non-Finnish European, 0.0025%; no homozygotes.

Submissions (2):

Department of Pathology and Laboratory Medicine, Sinai Health System
Classification: Uncertain significance for Hereditary spastic paraplegia 10; Myoclonus, intractable, neonatal; Amyotrophic lateral sclerosis, susceptibility to, 25. Last evaluated: 2023-02-07. Review status: criteria provided, single submitter. Criteria: ACMG Guidelines, 2015. Collection method: research. Allele origin: germline.

Labcorp Genetics (formerly Invitae), Labcorp
Classification: Uncertain significance for Spastic paraplegia. Last evaluated: 2020-12-20. Review status: criteria provided, single submitter. Criteria: Invitae Variant Classification Sherloc (09022015). Collection method: clinical testing. Allele origin: germline.
Comment: In summary, the available evidence is currently insufficient to determine the role of this variant in disease. Therefore, it has been classified as a Variant of Uncertain Significance. Advanced modeling of protein sequence and biophysical properties (such as structural, functional, and spatial information, amino acid conservation, physicochemical variation, residue mobility, and thermodynamic stability) performed at Invitae indicates that this missense variant is not expected to disrupt KIF5A protein function. This variant has not been reported in the literature in individuals with KIF5A-related conditions. This variant is present in population databases (rs371548640, ExAC 0.003%). This sequence change replaces glycine with cysteine at codon 985 of the KIF5A protein (p.Gly985Cys). The glycine residue is moderately conserved and there is a large physicochemical difference between glycine and cysteine.